The following is an entry in ClinVar:

ClinVar aggregate classification (germline): Likely benign (1 of 4 stars; one submission).

Allele frequency attached by ClinVar (database versions not stated): gnomAD exomes below 0.00001 and 0.00001; ExAC 0.00001.
gnomAD v4.1: 4 of 1,208,291 alleles (0.00033%); highest among the groups gnomAD compares: Non-Finnish European, 0.00045%; no homozygotes.

Submission:

GeneDx
Classification: Likely benign. Last evaluated: 2017-01-19. Review status: criteria provided, single submitter. Criteria: GeneDx Variant Classification (06012015). Collection method: clinical testing. Allele origin: germline. Affected: yes.
Comment: This variant is considered likely benign or benign based on one or more of the following criteria: it is a conservative change, it occurs at a poorly conserved position in the protein, it is predicted to be benign by multiple in silico algorithms, and/or has population frequency not consistent with disease.

NM_001323289.2(CDKL5):c.846A>G (p.Pro282=)

Gene: CDKL5 (cyclin dependent kinase like 5; plus strand). Cytogenetic location: Xp22.13.
Variant type: single nucleotide variant.
Coding change: c.846A>G on transcript NM_001323289.2 (MANE Select); coding-DNA position 846, A replaced by G.
Protein change: p.Pro282=; no amino-acid change (proline 282 retained).
Molecular consequence: synonymous variant.
Genome position (GRCh38, 1-based): chrX:18,598,482, A>G. VCF-style: chrX-18598482-A-G. GRCh37 (hg19) VCF-style: chrX-18616602-A-G.
Other names: c.846A>G, p.Pro282= (NM_001037343.2, NM_003159.3).
Identifiers: ClinVar variation 506889 (VCV000506889.1), dbSNP rs773523708, ClinGen allele CA10360307.